The following is an entry in ClinVar:

ClinVar aggregate classification (germline): Benign/Likely benign. Review status: criteria provided, multiple submitters, no conflicts (2 of 4 stars). 6 submissions from 6 submitters: Benign (1); Likely benign (1). 4 of the submissions do not count toward it. Last evaluated 2026-09-01.

Conditions:
HEXA-related disorder. Also called: HEXA-related condition.
Tay-Sachs disease (TSD). Also called: GM2 gangliosidosis, type 1; Hexosaminidase alpha-subunit deficiency (variant B); Sphingolipidosis, Tay-Sachs; HEXA Disorders; HEXA DEFICIENCY; Hexosaminidase A Deficiency. Identifiers: Orphanet 845, MedGen C0039373, MONDO:0010100, OMIM 272800.

Allele frequency attached by ClinVar (database versions not stated): gnomAD 0.00046 and 0.00050; gnomAD exomes 0.00046 and 0.00232; TOPMed 0.00112; ExAC 0.00177.
gnomAD v4.1: 729 of 1,612,976 alleles (0.045%); highest among the groups gnomAD compares: Admixed American, 1.2%; 12 homozygotes.

Submissions (6):

CeGaT Center for Human Genetics Tuebingen
Classification: Likely benign. Last evaluated: 2026-09-01. Review status: criteria provided, single submitter. Criteria: CeGaT Center For Human Genetics Tuebingen Variant Classification Criteria Version 2. Collection method: clinical testing. Allele origin: germline. Affected: yes. Observed: 3 variant alleles.
Comment: HEXA: BP4, BS1

GeneDx
Classification: Benign. Last evaluated: 2021-02-16. Review status: criteria provided, single submitter. Criteria: GeneDx Variant Classification Process June 2021. Collection method: clinical testing. Allele origin: germline. Affected: yes.

PreventionGenetics, part of Exact Sciences
Classification: Likely benign for HEXA-related condition. Last evaluated: 2020-02-18. Review status: no assertion criteria provided. Collection method: clinical testing. Allele origin: germline. Not counted in ClinVar's aggregate classification.
Comment: This variant is classified as likely benign based on ACMG/AMP sequence variant interpretation guidelines (Richards et al. 2015 PMID: 25741868, with internal and published modifications).

Natera, Inc.
Classification: Benign for Tay-Sachs disease. Last evaluated: 2019-05-20. Review status: no assertion criteria provided. Collection method: clinical testing. Allele origin: germline. Not counted in ClinVar's aggregate classification.

Counsyl
Classification: Likely benign for Tay-Sachs disease. Last evaluated: 2017-11-16. Review status: no assertion criteria provided. Collection method: clinical testing. Allele origin: unknown. Not counted in ClinVar's aggregate classification.

Mayo Clinic Laboratories, Mayo Clinic
Classification: Likely benign. Last evaluated: 2017-05-24. Review status: no assertion criteria provided. Collection method: clinical testing. Allele origin: unknown. Not counted in ClinVar's aggregate classification.

NM_000520.6(HEXA):c.-4G>A

Gene: HEXA (hexosaminidase subunit alpha; minus strand). Cytogenetic location: 15q23.
Variant type: single nucleotide variant.
Coding change: c.-4G>A on transcript NM_000520.6 (MANE Select); 4 bases upstream of the start codon, G replaced by A.
Molecular consequence: 5 prime UTR variant. On other transcripts: non-coding transcript variant (1).
Genome position (GRCh38, 1-based): chr15:72,375,976, C>T on the plus strand (G>A on the coding strand, the complement: HEXA is on the minus strand). VCF-style: chr15-72375976-C-T. GRCh37 (hg19) VCF-style: chr15-72668317-C-T.
Other names: c.-4G>A (NM_001318825.2, NM_000520.5).
Identifiers: ClinVar variation 317049 (VCV000317049.20), dbSNP rs766510036, ClinGen allele CA7645136.